The following is an entry in ClinVar:

ClinVar aggregate classification (germline): Benign/Likely benign. Review status: criteria provided, multiple submitters, no conflicts (2 of 4 stars). 2 submissions from 2 submitters: Benign (1); Likely benign (1). Last evaluated 2025-02-19.

Conditions:
Fanconi anemia complementation group O. Also called: RAD51C-Related Fanconi Anemia. Identifiers: Orphanet 84, MedGen C3150653, MONDO:0013248, OMIM 613390.
Breast-ovarian cancer, familial, susceptibility to, 3. Also called: RAD51C-Related Breast/Ovarian Cancer. Identifiers: Orphanet 145, MedGen C3150659, MONDO:0013253, OMIM 613399.

Submissions (2):

Myriad Genetics, Inc.
Classification: Benign for Breast-ovarian cancer, familial, susceptibility to, 3. Last evaluated: 2025-02-19. Review status: criteria provided, single submitter. Criteria: Myriad Autosomal Dominant, Autosomal Recessive and X-Linked Classification Criteria (2023). Collection method: clinical testing. Allele origin: unknown.
Comment: This variant is considered benign. This variant is a silent/synonymous amino acid change and it is not expected to impact splicing.

Labcorp Genetics (formerly Invitae), Labcorp
Classification: Likely benign for Fanconi anemia complementation group O. Last evaluated: 2023-06-09. Review status: criteria provided, single submitter. Criteria: Invitae Variant Classification Sherloc (09022015). Collection method: clinical testing. Allele origin: germline.

NM_058216.3(RAD51C):c.1014G>A (p.Leu338=)

Gene: RAD51C (RAD51 paralog C; plus strand). Cytogenetic location: 17q22.
Variant type: single nucleotide variant.
Coding change: c.1014G>A on transcript NM_058216.3 (MANE Select); coding-DNA position 1014, G replaced by A.
Protein change: p.Leu338=; no amino-acid change (leucine 338 retained).
Molecular consequence: synonymous variant. On other transcripts: non-coding transcript variant (1).
Genome position (GRCh38, 1-based): chr17:58,732,532, G>A. VCF-style: chr17-58732532-G-A. GRCh37 (hg19) VCF-style: chr17-56809893-G-A.
Other names: c.*442G>A (NM_058217.1).
Identifiers: ClinVar variation 2894875 (VCV002894875.4), dbSNP rs2049473626, ClinGen allele CA400365154.